The following is an entry in ClinVar:

ClinVar aggregate classification (germline): Benign (1 of 4 stars; one submission).

Submission:

Women's Health and Genetics/Laboratory Corporation of America, LabCorp
Classification: Benign. Last evaluated: 2021-12-20. Review status: criteria provided, single submitter. Criteria: LabCorp Variant Classification Summary - May 2015. Collection method: clinical testing. Allele origin: germline.
Comment: Variant summary: GALT c.-631_-630delAG is located in the untranscribed region upstream of the GALT gene region. The variant allele was found at a frequency of 0.027 in 28816 control chromosomes in the gnomAD database, including 10 homozygotes. The observed variant frequency is approximately 9.42 fold of the estimated maximal expected allele frequency for a pathogenic variant in GALT causing Galactosemia phenotype (0.0029), strongly suggesting that the variant is benign. No clinical diagnostic laboratories have submitted clinical-significance assessments for this variant to ClinVar after 2014. Based on the evidence outlined above, the variant was classified as benign.

NM_000155.3(GALT):c.-631_-630delAG

Gene: GALT (galactose-1-phosphate uridylyltransferase; plus strand). Cytogenetic location: 9p13.3.
Variant type: Microsatellite.
Coding change: c.-631_-630delAG on transcript NM_000155.3; 631 bases upstream of the start codon through 630 bases upstream of the start codon, 2 bases deleted (AG).
Genome position (GRCh38, 1-based): chr9:34,646,074-34,646,075, AG deleted; deleting any 2 consecutive bases within chr9:34,646,058-34,646,075 gives the same sequence; the c. name uses the placement nearest the transcript's 3' end. VCF-style (leftmost placement, unchanged base first): chr9-34646057-AAG-A. GRCh37 (hg19) VCF-style: chr9-34646054-AAG-A.
Identifiers: ClinVar variation 1331459 (VCV001331459.3), dbSNP rs149007102, ClinGen allele CA192666603.